The following is an entry in ClinVar:

NM_005035.4(POLRMT):c.2222C>G (p.Pro741Arg)

Gene: POLRMT (RNA polymerase mitochondrial; minus strand). Cytogenetic location: 19p13.3.
Variant type: single nucleotide variant.
Coding change: c.2222C>G on transcript NM_005035.4 (MANE Select); coding-DNA position 2222, C replaced by G.
Protein change: p.Pro741Arg; replaces proline 741 with arginine.
Molecular consequence: missense variant. On other transcripts: non-coding transcript variant (1).
Genome position (GRCh38, 1-based): chr19:621,476, G>C on the plus strand (C>G on the coding strand, the complement: POLRMT is on the minus strand). VCF-style: chr19-621476-G-C. GRCh37 (hg19) VCF-style: chr19-621476-G-C.
Other names: c.2222C>G, p.Pro741Arg (NM_001407805.1, NM_001407808.1, NM_001407812.1 and 4 more transcripts); c.2213C>G, p.Pro738Arg (NM_001407806.1, NM_001407809.1); c.2210C>G, p.Pro737Arg (NM_001407807.1, NM_001407810.1); c.2180C>G, p.Pro727Arg (NM_001407811.1, NM_001407813.1); c.1997C>G, p.Pro666Arg (NM_001407830.1, NM_001407832.1); c.1898C>G, p.Pro633Arg (NM_001407831.1, NM_001407833.1, NM_001407835.1 and 1 more transcripts); c.1889C>G, p.Pro630Arg (NM_001407834.1); short protein forms P666R, P727R, P630R, P737R, P633R, P738R, P741R.
Identifiers: ClinVar variation 4141620 (VCV004141620.2).

ClinVar aggregate classification (germline): Uncertain significance. Review status: criteria provided, multiple submitters, no conflicts (2 of 4 stars). 2 submissions from 2 submitters: Uncertain significance (2). Last evaluated 2025-08-13.

Conditions:
Combined oxidative phosphorylation deficiency 55 (COXPD55). Identifiers: MedGen C5676915, MONDO:0859228, OMIM 619743.

gnomAD v4.1: 14 of 1,368,370 alleles (0.001%); highest among the groups gnomAD compares: African/African-American, 0.02%; no homozygotes.

Submissions (2):

Ambry Genetics
Classification: Uncertain significance. Last evaluated: 2025-08-13. Review status: criteria provided, single submitter. Criteria: Ambry Variant Classification Scheme 2023. Collection method: clinical testing. Allele origin: germline.

Clinical Genomics Laboratory, Washington University in St. Louis
Classification: Uncertain significance for Combined oxidative phosphorylation deficiency 55. Last evaluated: 2025-03-05. Review status: criteria provided, single submitter. Criteria: ACMG Guidelines, 2015. Collection method: clinical testing. Allele origin: germline.
Comment: The POLRMT c.2222C>G (p.Pro741Arg) variant, to our knowledge, has not been reported in the medical literature nor the ClinVar database. This variant is only observed on 14/1,6368,370 alleles in the general population (gnomAD v4.1), indicating it is not a common variant. Computational predictors suggest that the variant does not impact POLRMT function. Due to limited information, and based on ACMG/AMP guidelines for variant interpretation (Richards S et al., PMID: 25741868), the clinical significance of this variant is uncertain at this time.